The following is an entry in ClinVar:

NM_005559.4(LAMA1):c.8628G>A (p.Pro2876=)

Gene: LAMA1 (laminin subunit alpha 1; minus strand). Cytogenetic location: 18p11.31.
Variant type: single nucleotide variant.
Coding change: c.8628G>A on transcript NM_005559.4 (MANE Select); coding-DNA position 8628, G replaced by A.
Protein change: p.Pro2876=; no amino-acid change (proline 2876 retained).
Molecular consequence: synonymous variant.
Genome position (GRCh38, 1-based): chr18:6,948,485, C>T on the plus strand (G>A on the coding strand, the complement: LAMA1 is on the minus strand). VCF-style: chr18-6948485-C-T. GRCh37 (hg19) VCF-style: chr18-6948484-C-T.
Identifiers: ClinVar variation 1911415 (VCV001911415.11), dbSNP rs547747946, ClinGen allele CA8880407.

ClinVar aggregate classification (germline): Likely benign. Review status: criteria provided, multiple submitters, no conflicts (2 of 4 stars). 2 submissions from 2 submitters: Likely benign (2). Last evaluated 2025-11-01.

Allele frequency attached by ClinVar (database versions not stated): gnomAD 0.00001; gnomAD exomes 0.00001; ExAC 0.00002.
gnomAD v4.1: 19 of 1,614,126 alleles (0.0012%); highest among the groups gnomAD compares: Middle Eastern, 0.016%; no homozygotes.

Submissions (2):

CeGaT Center for Human Genetics Tuebingen
Classification: Likely benign. Last evaluated: 2025-11-01. Review status: criteria provided, single submitter. Criteria: CeGaT Center For Human Genetics Tuebingen Variant Classification Criteria Version 2. Collection method: clinical testing. Allele origin: germline. Affected: yes. Observed: 1 variant allele.
Comment: LAMA1: BP4, BP7

Labcorp Genetics (formerly Invitae), Labcorp
Classification: Likely benign. Last evaluated: 2024-10-22. Review status: criteria provided, single submitter. Criteria: Invitae Variant Classification Sherloc (09022015). Collection method: clinical testing. Allele origin: germline.